The following is an entry in ClinVar:

ClinVar aggregate classification (germline): Pathogenic. Review status: criteria provided, multiple submitters, no conflicts (2 of 4 stars). 8 submissions from 8 submitters: Pathogenic (8). Last evaluated 2026-07-01.

Conditions:
Cardiovascular phenotype. Identifiers: MedGen CN230736.
Cardiomyopathy (CMYO). Also called: Cardiomyopathies. Identifiers: Orphanet 167848, MedGen C0878544, MONDO:0004994, HP:0001638. Inheritance: Various modes of inheritance.
Hypertrophic cardiomyopathy 4. Also called: Familial hypertrophic cardiomyopathy 4. Identifiers: MedGen C1861862, MONDO:0007268, OMIM 115197.
Hypertrophic cardiomyopathy. Also called: HYPERTROPHIC MYOCARDIOPATHY. Identifiers: Orphanet 217569, MedGen C0007194, MeSH D002312, MONDO:0005045, HP:0001639.

Submissions (8):

Ambry Genetics
Classification: Pathogenic for Cardiovascular phenotype. Last evaluated: 2026-07-01. Review status: criteria provided, single submitter. Criteria: Ambry Variant Classification Scheme 2023. Collection method: clinical testing. Allele origin: germline.
Comment: The c.772+1G>A intronic alteration consists of a G to A substitution one nucleotide after exon 6 (coding exon 6) of the MYBPC3 gene. Variants that disrupt the canonical splice site are expected to cause aberrant splicing, resulting in an abnormal protein or a transcript that is subject to nonsense-mediated mRNA decay. This variant was not reported in population-based cohorts in the Genome Aggregation Database (gnomAD). This variant (also referred to as IVS7+1G>A) has been reported in subjects with hypertrophic cardiomyopathy (HCM) and was shown to segregate with disease in one family (Erdmann, 2001; Alfares, 2015; Walsh, 2017). This nucleotide position is highly conserved in available vertebrate species. This alteration has been reported to impact mRNA splicing (Erdmann, 2001). In silico splice site analysis predicts that this alteration will weaken the native splice donor site. Based on the available evidence, this alteration is classified as pathogenic.

Labcorp Genetics (formerly Invitae), Labcorp
Classification: Pathogenic for Hypertrophic cardiomyopathy. Last evaluated: 2025-07-21. Review status: criteria provided, single submitter. Criteria: Invitae Variant Classification Sherloc (09022015). Collection method: clinical testing. Allele origin: germline.
Comment: This sequence change affects a donor splice site in intron 6 of the MYBPC3 gene. RNA analysis indicates that disruption of this splice site induces altered splicing and may result in an absent or altered protein product. This variant is not present in population databases (gnomAD no frequency). Disruption of this splice site has been observed in individual(s) with hypertrophic cardiomyopathy (PMID: 11499719). It has also been observed to segregate with disease in related individuals. ClinVar contains an entry for this variant (Variation ID: 42790). Studies have shown that disruption of this splice site results in skipping of exon 6 and exons 6 and 7, and produces a non-functional protein and/or introduces a premature termination codon (PMID: 11499719). For these reasons, this variant has been classified as Pathogenic.

GeneDx
Classification: Pathogenic. Last evaluated: 2024-04-30. Review status: criteria provided, single submitter. Criteria: GeneDx Variant Classification Process June 2021. Collection method: clinical testing. Allele origin: germline. Affected: yes.
Comment: Not observed at significant frequency in large population cohorts (gnomAD); Published RNA studies using patient lymphocytes show that this variant causes abnormal splicing, resulting in aberrant transcripts showing either the skipping of exon 6 or exons 6 and 7, which leads to frameshift events (PMID: 11499719); Published functional studies using a zebrafish model show that this variant causes impaired cardiac function and recapitulates features of a human HCM phenotype (PMID: 31943169); Canonical splice site variant predicted to result in a null allele in a gene for which loss of function is a known mechanism of disease; Also denoted as IVS7+1G>A due to the use of alternate nomenclature; This variant is associated with the following publications: (PMID: 25611685, 27532257, 29398688, 11499719, 31943169)

Clinical Genomics Laboratory, Stanford Medicine
Classification: Pathogenic for Hypertrophic cardiomyopathy 4. Last evaluated: 2023-05-01. Review status: criteria provided, single submitter. Criteria: ACMG Guidelines, 2015. Collection method: clinical testing. Allele origin: germline. Inheritance: Autosomal dominant inheritance. Observed: 1 variant allele, 1 heterozygote.
Comment: The c.772+1G>A variant in the MYBPC3 gene has been previously reported in at least 6 unrelated individual with hypertrophic cardiomyopathy and co-segregated with disease in 3 affected relatives (Alfares et al., 2015; Erdmann et al., 2001; Teramoto et al., 2018; Walsh et al., 2017; Zhao et al., 2022) This variant was absent from large population databases, including the Genome Aggregation Database. This variant is present in ClinVar (Variation ID: 42790). This variant alters the canonical donor splice site in intron 6, which is predicted to result in abnormal gene splicing. Heterozygous loss of function is an established mechanism of disease for the MYBPC3 gene. These data were assessed using the ACMG/AMP variant interpretation guidelines. In summary, there is sufficient evidence to classify the c.772+1G>A variant as pathogenic for autosomal dominant hypertrophic cardiomyopathy based on the information above. [ACMG evidence codes used: PVS1; PS4_Moderate; PM2; PP1]

CHEO Genetics Diagnostic Laboratory, Children's Hospital of Eastern Ontario
Classification: Pathogenic for Cardiomyopathy. Last evaluated: 2022-10-03. Review status: criteria provided, single submitter. Criteria: ACMG Guidelines, 2015. Collection method: clinical testing. Allele origin: germline.

ARUP Laboratories, Molecular Genetics and Genomics, ARUP Laboratories
Classification: Pathogenic. Last evaluated: 2019-11-11. Review status: criteria provided, single submitter. Criteria: ARUP Molecular Germline Variant Investigation Process. Collection method: clinical testing. Allele origin: germline.
Comment: The MYBPC3 c.772+1G>A variant (rs397516072), also published as IVS7+1G>A, is reported in the literature in multiple individuals affected with hypertrophic cardiomyopathy (Erdmann 2001, Walsh 2017). In one family, this variant was observed to segregate with disease in all affected members (Erdmann 2001). This variant is absent from general population databases (Exome Variant Server, Genome Aggregation Database), indicating it is not a common polymorphism. This variant abolishes the canonical splice donor site of intron 6, which is likely to disrupt gene function. Indeed, RNA analyses of individuals with this variant exhibit skipping of exon 6 or exons 6 and 7 (Erdmann 2001). Based on available information, this variant is considered to be pathogenic. References: Erdmann J et al. Spectrum of clinical phenotypes and gene variants in cardiac myosin-binding protein C mutation carriers with hypertrophic cardiomyopathy. J Am Coll Cardiol. 2001 Aug;38(2):322-30. Walsh R et al. Reassessment of Mendelian gene pathogenicity using 7,855 cardiomyopathy cases and 60,706 reference samples. Genet Med. 2017 Feb;19(2):192-203.

Revvity Omics, Revvity
Classification: Pathogenic. Last evaluated: 2019-10-09. Review status: criteria provided, single submitter. Criteria: ACMG Guidelines, 2015. Collection method: clinical testing. Allele origin: germline.

Laboratory for Molecular Medicine, Mass General Brigham Personalized Medicine
Classification: Pathogenic for Hypertrophic cardiomyopathy. Last evaluated: 2011-06-10. Review status: criteria provided, single submitter. Criteria: LMM Criteria. Collection method: clinical testing. Allele origin: germline. Inheritance: Autosomal dominant inheritance. Observed: 2 variant alleles.
Comment: The 772+1G>A variant has been identified in four HCM probands (2 cases in Erdman 2001 - reported as IVS7+1G>A and 2 cases in our laboratory). This variant alters the highly conserved -1 splicing position, and has been shown to result in the skipping of exon 7 or ex ons 7 and 8, both of which cause a frame shift and a premature termination signa l (Erdmann 2001). In summary, this data meets our criteria to classify this vari ant as pathogenic.

Literature cited by the submitters: PubMed 11499719 (cited by 4 submitters); PubMed 25611685 (cited by Ambry Genetics and Clinical Genomics Laboratory, Stanford Medicine); PubMed 27532257 (cited by Ambry Genetics and Clinical Genomics Laboratory, Stanford Medicine); PubMed 29398688 (cited by Clinical Genomics Laboratory, Stanford Medicine); PubMed 35257994 (cited by Clinical Genomics Laboratory, Stanford Medicine).

NM_000256.3(MYBPC3):c.772+1G>A

Gene: MYBPC3 (myosin binding protein C3; minus strand). Cytogenetic location: 11p11.2.
Variant type: single nucleotide variant.
Coding change: c.772+1G>A on transcript NM_000256.3 (MANE Select); the canonical splice donor site of the intron after coding-DNA position 772, G replaced by A.
Molecular consequence: splice donor variant.
Genome position (GRCh38, 1-based): chr11:47,348,423, C>T on the plus strand (G>A on the coding strand, the complement: MYBPC3 is on the minus strand). VCF-style: chr11-47348423-C-T. GRCh37 (hg19) VCF-style: chr11-47369974-C-T.
Identifiers: ClinVar variation 42790 (VCV000042790.31), dbSNP rs397516072, ClinGen allele CA015806.